The following is an entry in ClinVar:

NM_000038.6(APC):c.2752G>T (p.Glu918Ter)

Gene: APC (APC regulator of Wnt signaling pathway; plus strand). Cytogenetic location: 5q22.2.
Variant type: single nucleotide variant.
Coding change: c.2752G>T on transcript NM_000038.6 (MANE Select); coding-DNA position 2752, G replaced by T.
Protein change: p.Glu918Ter; replaces glutamic acid 918 with a stop codon.
Molecular consequence: nonsense. On other transcripts: non-coding transcript variant (2).
Genome position (GRCh38, 1-based): chr5:112,838,346, G>T. VCF-style: chr5-112838346-G-T. GRCh37 (hg19) VCF-style: chr5-112174043-G-T.
Other names: c.2752G>T, p.Glu918Ter (NM_001127510.3, NM_001354895.2, NM_001407450.1); c.2698G>T, p.Glu900Ter (NM_001127511.3); c.2806G>T, p.Glu936Ter (NM_001354896.2, NM_001407447.1, NM_001407448.1 and 1 more transcripts); c.2782G>T, p.Glu928Ter (NM_001354897.2); c.2677G>T, p.Glu893Ter (NM_001354898.2); c.2668G>T, p.Glu890Ter (NM_001354899.2); c.2629G>T, p.Glu877Ter (NM_001354900.2); c.2575G>T, p.Glu859Ter (NM_001354901.2, NM_001407453.1); and 11 more; short protein forms E534*, E635*, E758*, E789*, E792*, E817*, E827*, E835*.
Identifiers: ClinVar variation 2584248 (VCV002584248.2), dbSNP rs1765256327, ClinGen allele CA16027335.

ClinVar aggregate classification (germline): Pathogenic (1 of 4 stars; one submission).

Conditions:
Familial adenomatous polyposis 1 (FAP1). Also called: FAMILIAL ADENOMATOUS POLYPOSIS 1, ATTENUATED; POLYPOSIS, ADENOMATOUS INTESTINAL. Identifiers: MedGen C2713442, MONDO:0021056, OMIM 175100. Disease mechanism: loss of function.

Submission:

Myriad Genetics, Inc.
Classification: Pathogenic for Familial adenomatous polyposis 1. Last evaluated: 2023-05-05. Review status: criteria provided, single submitter. Criteria: Myriad Autosomal Dominant, Autosomal Recessive and X-Linked Classification Criteria (2023). Collection method: clinical testing. Allele origin: unknown.
Comment: This variant is considered pathogenic. This variant creates a termination codon and is predicted to result in premature protein truncation.